The following is an entry in ClinVar:

NM_001002295.2(GATA3):c.881T>G (p.Met294Arg)

Gene: GATA3 (GATA binding protein 3; plus strand). Cytogenetic location: 10p14.
Variant type: single nucleotide variant.
Coding change: c.881T>G on transcript NM_001002295.2 (MANE Select); coding-DNA position 881, T replaced by G.
Protein change: p.Met294Arg; replaces methionine 294 with arginine.
Molecular consequence: missense variant. On other transcripts: initiator codon variant (1), intron variant (1).
Genome position (GRCh38, 1-based): chr10:8,064,095, T>G. VCF-style: chr10-8064095-T-G. GRCh37 (hg19) VCF-style: chr10-8106058-T-G.
Other names: c.881T>G, p.Met294Arg (NM_001441115.1, NM_001441116.1, NM_001441117.1 and 9 more transcripts); c.878T>G, p.Met293Arg (NM_001441124.1, NM_001441125.1, NM_001441126.1 and 5 more transcripts); c.2T>G, p.Met1Arg (NM_001441135.1); c.778+5254T>G (NM_001441134.1); short protein forms M1R, M294R, M293R.
Identifiers: ClinVar variation 4997941 (VCV004997941.1).

ClinVar aggregate classification (germline): Uncertain significance (1 of 4 stars; one submission).

Conditions:
GATA3-related disorder. Also called: GATA3-related condition.

Submission:

PreventionGenetics, part of Exact Sciences
Classification: Uncertain significance for GATA3-related condition. Last evaluated: 2025-03-17. Review status: criteria provided, single submitter. Criteria: ACMG Guidelines, 2015. Collection method: clinical testing. Allele origin: germline.
Comment: The GATA3 c.881T>G variant is predicted to result in the amino acid substitution p.Met294Arg. This variant was reported in an individual with hypoparathyroidism-deafness-renal disease syndrome (Lawrence et al. 2016. PubMed ID: 26282285). This variant has not been reported in a large population database (gnomAD), indicating this variant is rare. At this time, the clinical significance of this variant is uncertain due to the absence of conclusive functional and genetic evidence.